The following is an entry in ClinVar:

NM_016284.5(CNOT1):c.745A>G (p.Thr249Ala)

Gene: CNOT1 (CCR4-NOT transcription complex subunit 1; minus strand). Cytogenetic location: 16q21.
Variant type: single nucleotide variant.
Coding change: c.745A>G on transcript NM_016284.5 (MANE Select); coding-DNA position 745, A replaced by G.
Protein change: p.Thr249Ala; replaces threonine 249 with alanine.
Molecular consequence: missense variant. On other transcripts: non-coding transcript variant (1).
Genome position (GRCh38, 1-based): chr16:58,585,399, T>C on the plus strand (A>G on the coding strand, the complement: CNOT1 is on the minus strand). VCF-style: chr16-58585399-T-C. GRCh37 (hg19) VCF-style: chr16-58619303-T-C.
Other names: c.745A>G, p.Thr249Ala (NM_001265612.2, NM_206999.3); short protein forms T249A.
Identifiers: ClinVar variation 3771465 (VCV003771465.13).

ClinVar aggregate classification (germline): Uncertain significance (1 of 4 stars; one submission).

Submission:

CeGaT Center for Human Genetics Tuebingen
Classification: Uncertain significance. Last evaluated: 2025-02-01. Review status: criteria provided, single submitter. Criteria: CeGaT Center For Human Genetics Tuebingen Variant Classification Criteria Version 2. Collection method: clinical testing. Allele origin: germline. Affected: yes. Observed: 1 variant allele.
Comment: CNOT1: PM2